The following is an entry in ClinVar:

NM_001792.5(CDH2):c.193G>A (p.Gly65Arg)

Gene: CDH2 (cadherin 2; minus strand). Cytogenetic location: 18q12.1.
Variant type: single nucleotide variant.
Coding change: c.193G>A on transcript NM_001792.5 (MANE Select); coding-DNA position 193, G replaced by A.
Protein change: p.Gly65Arg; replaces glycine 65 with arginine.
Molecular consequence: missense variant.
Genome position (GRCh38, 1-based): chr18:28,013,889, C>T on the plus strand (G>A on the coding strand, the complement: CDH2 is on the minus strand). VCF-style: chr18-28013889-C-T. GRCh37 (hg19) VCF-style: chr18-25593853-C-T.
Other names: c.100G>A, p.Gly34Arg (NM_001308176.2); short protein forms G34R, G65R.
Identifiers: ClinVar variation 3690500 (VCV003690500.2).

ClinVar aggregate classification (germline): Uncertain significance (1 of 4 stars; one submission).

Submission:

Labcorp Genetics (formerly Invitae), Labcorp
Classification: Uncertain significance. Last evaluated: 2024-08-20. Review status: criteria provided, single submitter. Criteria: Invitae Variant Classification Sherloc (09022015). Collection method: clinical testing. Allele origin: germline.
Comment: This sequence change replaces glycine, which is neutral and non-polar, with arginine, which is basic and polar, at codon 65 of the CDH2 protein (p.Gly65Arg). This variant is not present in population databases (gnomAD no frequency). This variant has not been reported in the literature in individuals affected with CDH2-related conditions. An algorithm developed to predict the effect of missense changes on protein structure and function outputs the following: PolyPhen-2: "Benign". The arginine amino acid residue is found in multiple mammalian species, which suggests that this missense change does not adversely affect protein function. In summary, the available evidence is currently insufficient to determine the role of this variant in disease. Therefore, it has been classified as a Variant of Uncertain Significance.